The following is an entry in ClinVar:

ClinVar aggregate classification (germline): Likely benign (1 of 4 stars; one submission).

gnomAD v4.1: 742 of 1,597,404 alleles (0.046%); highest among the groups gnomAD compares: African/African-American, 0.82%; 2 homozygotes.

Submission:

CeGaT Center for Human Genetics Tuebingen
Classification: Likely benign. Last evaluated: 2026-03-01. Review status: criteria provided, single submitter. Criteria: CeGaT Center For Human Genetics Tuebingen Variant Classification Criteria Version 2. Collection method: clinical testing. Allele origin: germline. Affected: yes. Observed: 1 variant allele.
Comment: NAA20: BP4, BP7

NM_016100.5(NAA20):c.444C>T (p.Asp148=)

Gene: NAA20 (N-alpha-acetyltransferase 20, NatB catalytic subunit; plus strand). Cytogenetic location: 20p11.23.
Variant type: single nucleotide variant.
Coding change: c.444C>T on transcript NM_016100.5 (MANE Select); coding-DNA position 444, C replaced by T.
Protein change: p.Asp148=; no amino-acid change (aspartic acid 148 retained).
Molecular consequence: synonymous variant. On other transcripts: intron variant (1).
Genome position (GRCh38, 1-based): chr20:20,032,646, C>T. VCF-style: chr20-20032646-C-T. GRCh37 (hg19) VCF-style: chr20-20013290-C-T.
Other names: c.408C>T, p.Asp136= (NM_181527.3); c.306-456C>T (NM_181528.3).
Identifiers: ClinVar variation 4821225 (VCV004821225.4).
Genomic context (GRCh38, chr20:20,032,646, plus strand): 5'-CAGTGTATATAGGACGGTCATAGAGTACTATTCGGCCAGCAACGGGGAGCCTGATGAGGA[C>T]GCTTATGGTAAGCTCCCTTCCATGGCAGTATCCCCAAGAAGTCGAAACAGTTACATTCTT-3'
Protein context (NP_057184.1, residues 138-158): YSASNGEPDE[Asp148=]AYDMRKALSR